The following is an entry in ClinVar:

NM_014797.3(ZBTB24):c.99A>T (p.Lys33Asn)

Gene: ZBTB24 (zinc finger and BTB domain containing 24; minus strand). Cytogenetic location: 6q21.
Variant type: single nucleotide variant.
Coding change: c.99A>T on transcript NM_014797.3 (MANE Select); coding-DNA position 99, A replaced by T.
Protein change: p.Lys33Asn; replaces lysine 33 with asparagine.
Molecular consequence: missense variant.
Genome position (GRCh38, 1-based): chr6:109,481,928, T>A on the plus strand (A>T on the coding strand, the complement: ZBTB24 is on the minus strand). VCF-style: chr6-109481928-T-A. GRCh37 (hg19) VCF-style: chr6-109803131-T-A.
Other names: c.99A>T, p.Lys33Asn (NM_001164313.2); short protein forms K33N.
Identifiers: ClinVar variation 842298 (VCV000842298.8), dbSNP rs760806722, ClinGen allele CA365212136.

ClinVar aggregate classification (germline): Uncertain significance (1 of 4 stars; one submission).

Conditions:
Immunodeficiency-centromeric instability-facial anomalies syndrome 2 (ICF2). Identifiers: Orphanet 2268, MedGen C3279748, MONDO:0013553, OMIM 614069.

Submission:

Labcorp Genetics (formerly Invitae), Labcorp
Classification: Uncertain significance for Immunodeficiency-centromeric instability-facial anomalies syndrome 2. Last evaluated: 2024-10-28. Review status: criteria provided, single submitter. Criteria: Invitae Variant Classification Sherloc (09022015). Collection method: clinical testing. Allele origin: germline.
Comment: This sequence change replaces lysine, which is basic and polar, with asparagine, which is neutral and polar, at codon 33 of the ZBTB24 protein (p.Lys33Asn). This variant is not present in population databases (gnomAD no frequency). This variant has not been reported in the literature in individuals affected with ZBTB24-related conditions. ClinVar contains an entry for this variant (Variation ID: 842298). An algorithm developed to predict the effect of missense changes on protein structure and function (PolyPhen-2) suggests that this variant is likely to be disruptive. In summary, the available evidence is currently insufficient to determine the role of this variant in disease. Therefore, it has been classified as a Variant of Uncertain Significance.